The following is an entry in ClinVar:

ClinVar aggregate classification (germline): Uncertain significance (1 of 4 stars; one submission).

Conditions:
Wilson disease (WND). Also called: Wilson's disease. Identifiers: Orphanet 905, MedGen C0019202, MONDO:0010200, OMIM 277900. Disease mechanism: loss of function.

Submission:

All of Us Research Program, National Institutes of Health
Classification: Uncertain significance for Wilson disease. Last evaluated: 2023-03-23. Review status: criteria provided, single submitter. Criteria: ACMG Guidelines, 2015. Collection method: clinical testing. Allele origin: germline. Inheritance: Autosomal recessive inheritance. Observed: 1 variant allele, 1 heterozygote.
Comment: This missense variant replaces threonine with proline at codon 1434 of the ATP7B protein. Computational prediction suggests that this variant may not impact protein structure and function (internally defined REVEL score threshold <= 0.5, PMID: 27666373). To our knowledge, functional studies have not been reported for this variant. This variant has not been reported in individuals affected with Wilson disease in the literature. This variant has not been identified in the general population by the Genome Aggregation Database (gnomAD). The available evidence is insufficient to determine the role of this variant in disease conclusively. Therefore, this variant is classified as a Variant of Uncertain Significance.

This study involves interpretation of variants in research participants for the purpose of population health screening. Participant phenotype was not available at the time of variant classification. Additional details can be found in publication PMID: 35346344, PMCID: PMC8962531

NM_000053.4(ATP7B):c.4300A>C (p.Thr1434Pro)

Gene: ATP7B (ATPase copper transporting beta; minus strand). Cytogenetic location: 13q14.3.
Variant type: single nucleotide variant.
Coding change: c.4300A>C on transcript NM_000053.4 (MANE Select); coding-DNA position 4300, A replaced by C.
Protein change: p.Thr1434Pro; replaces threonine 1434 with proline.
Molecular consequence: missense variant.
Genome position (GRCh38, 1-based): chr13:51,934,854, T>G on the plus strand (A>C on the coding strand, the complement: ATP7B is on the minus strand). VCF-style: chr13-51934854-T-G. GRCh37 (hg19) VCF-style: chr13-52508990-T-G.
Other names: c.3679A>C, p.Thr1227Pro (NM_001005918.3); c.3967A>C, p.Thr1323Pro (NM_001243182.2); c.4066A>C, p.Thr1356Pro (NM_001330578.2, NM_001406527.1, NM_001406528.1); c.4048A>C, p.Thr1350Pro (NM_001330579.2, NM_001406531.1, NM_001406532.1); c.4300A>C, p.Thr1434Pro (NM_001406511.1, NM_001406512.1); c.4294A>C, p.Thr1432Pro (NM_001406513.1); c.4267A>C, p.Thr1423Pro (NM_001406514.1); c.4246A>C, p.Thr1416Pro (NM_001406515.1, NM_001406516.1); and 21 more; short protein forms T1004P, T1153P, T1207P, T1218P, T1227P, T1240P, T1270P, T1272P.
Identifiers: ClinVar variation 3075570 (VCV003075570.1), dbSNP rs2547540972, ClinGen allele CA388019154.